The following is an entry in ClinVar:

NM_014014.5(SNRNP200):c.1662C>G (p.Ser554Arg)

Gene: SNRNP200 (small nuclear ribonucleoprotein U5 subunit 200; minus strand). Cytogenetic location: 2q11.2.
Variant type: single nucleotide variant.
Coding change: c.1662C>G on transcript NM_014014.5 (MANE Select); coding-DNA position 1662, C replaced by G.
Protein change: p.Ser554Arg; replaces serine 554 with arginine.
Molecular consequence: missense variant.
Genome position (GRCh38, 1-based): chr2:96,296,545, G>C on the plus strand (C>G on the coding strand, the complement: SNRNP200 is on the minus strand). VCF-style: chr2-96296545-G-C. GRCh37 (hg19) VCF-style: chr2-96962283-G-C.
Other names: short protein forms S554R.
Identifiers: ClinVar variation 1014814 (VCV001014814.8), dbSNP rs572113985, ClinGen allele CA347681853.
Genomic context (GRCh38, chr2:96,296,545, plus strand): 5'-ACTTTCATAGGTGCACCCAGTATCCTCTGCAGGAAAGTTCTACTCCCTCACCTTTCCAAA[G>C]CTGCCCACCATCTCCTGCACCAAGGAGCGCATGGGGGCAATGTAGATAATCTTGAAGTCA-3'
Protein context (NP_054733.2, residues 544-564): MRSLVQEMVG[Ser554Arg]FGKRLATYGI

ClinVar aggregate classification (germline): Uncertain significance (1 of 4 stars; one submission).

Submission:

Labcorp Genetics (formerly Invitae), Labcorp
Classification: Uncertain significance. Last evaluated: 2022-11-15. Review status: criteria provided, single submitter. Criteria: Invitae Variant Classification Sherloc (09022015). Collection method: clinical testing. Allele origin: germline.
Comment: In summary, the available evidence is currently insufficient to determine the role of this variant in disease. Therefore, it has been classified as a Variant of Uncertain Significance. This sequence change replaces serine, which is neutral and polar, with arginine, which is basic and polar, at codon 554 of the SNRNP200 protein (p.Ser554Arg). This variant is not present in population databases (gnomAD no frequency). This variant has not been reported in the literature in individuals affected with SNRNP200-related conditions. ClinVar contains an entry for this variant (Variation ID: 1014814). Advanced modeling of protein sequence and biophysical properties (such as structural, functional, and spatial information, amino acid conservation, physicochemical variation, residue mobility, and thermodynamic stability) performed at Invitae indicates that this missense variant is expected to disrupt SNRNP200 protein function.